The following is an entry in ClinVar:

NM_001365951.3(KIF1B):c.3403G>C (p.Asp1135His)

Gene: KIF1B (kinesin family member 1B; plus strand). Cytogenetic location: 1p36.22.
Variant type: single nucleotide variant.
Coding change: c.3403G>C on transcript NM_001365951.3 (MANE Select); coding-DNA position 3403, G replaced by C.
Protein change: p.Asp1135His; replaces aspartic acid 1135 with histidine.
Molecular consequence: missense variant.
Genome position (GRCh38, 1-based): chr1:10,337,514, G>C. VCF-style: chr1-10337514-G-C. GRCh37 (hg19) VCF-style: chr1-10397572-G-C.
Other names: c.3403G>C, p.Asp1135His (NM_001365952.1); c.3265G>C, p.Asp1089His (NM_015074.3); short protein forms D1089H, D1135H.
Identifiers: ClinVar variation 3533940 (VCV003533940.1).

ClinVar aggregate classification (germline): Uncertain significance (1 of 4 stars; one submission).

gnomAD v4.1: 2 of 1,614,112 alleles (0.00012%); highest among the groups gnomAD compares: African/African-American, 0.0013%; no homozygotes.

Submission:

Ambry Genetics
Classification: Uncertain significance. Last evaluated: 2024-08-01. Review status: criteria provided, single submitter. Criteria: Ambry Variant Classification Scheme 2023. Collection method: clinical testing. Allele origin: germline.
Comment: The p.D1089H variant (also known as c.3265G>C), located in coding exon 28 of the KIF1B gene, results from a G to C substitution at nucleotide position 3265. The aspartic acid at codon 1089 is replaced by histidine, an amino acid with similar properties. This amino acid position is highly conserved in available vertebrate species. In addition, this alteration is predicted to be deleterious by in silico analysis. Based on the available evidence, the clinical significance of this variant remains unclear.